The following is an entry in ClinVar:

ClinVar aggregate classification (germline): Uncertain significance (1 of 4 stars; one submission).

Conditions:
Leigh syndrome (NULS). Also called: Leigh's necrotizing encephalopathy; Leigh's disease; Leigh Syndrome (mtDNA deletion); Leigh Disease; Subacute necrotizing encephalopathy; Necrotizing encephalopathy infantile subacute of Leigh. Identifiers: Orphanet 506, MedGen C2931891, MONDO:0009723, OMIM 256000.

Submission:

Wong Mito Lab, Molecular and Human Genetics, Baylor College of Medicine
Classification: Uncertain significance for Leigh syndrome. Last evaluated: 2019-10-17. Review status: criteria provided, single submitter. Criteria: Modified ACMG Guidelines (Unpublished). Collection method: clinical testing. Allele origin: germline.
Comment: The NC_012920.1:m.6972G>C (YP_003024028.1:p.Val357Leu) variant in MTCO1 gene is interpretated to be a Uncertain Significance variant based on the modified ACMG guidelines (unpublished). This variant meets the following evidence codes: PP7, BP4

NC_012920.1(MT-CO1):m.6972G>C

Gene: MT-CO1 (mitochondrially encoded cytochrome c oxidase I; plus strand).
Variant type: single nucleotide variant.
Genome position: chrM-6972-G-C.
Identifiers: ClinVar variation 692688 (VCV000692688.1), dbSNP rs1603220724, ClinGen allele CA414790393.
Genomic context (GRCh38, chrMT:6,972, plus strand): 5'-GCAGTGCTCTGAGCCCTAGGATTCATCTTTCTTTTCACCGTAGGTGGCCTGACTGGCATT[G>C]TATTAGCAAACTCATCACTAGACATCGTACTACACGACACGTACTACGTTGTAGCCCACT-3'